The following is an entry in ClinVar:

ClinVar aggregate classification (germline): Uncertain significance (1 of 4 stars; one submission).

Conditions:
Multiple endocrine neoplasia, type 2 (MEN2). Identifiers: Orphanet 653, MedGen C4048306, MONDO:0019003. Disease mechanism: gain of function.

Submission:

Labcorp Genetics (formerly Invitae), Labcorp
Classification: Uncertain significance for Multiple endocrine neoplasia, type 2. Last evaluated: 2021-11-05. Review status: criteria provided, single submitter. Criteria: Invitae Variant Classification Sherloc (09022015). Collection method: clinical testing. Allele origin: germline.
Comment: In summary, the available evidence is currently insufficient to determine the role of this variant in disease. Therefore, it has been classified as a Variant of Uncertain Significance. This sequence change replaces leucine, which is neutral and non-polar, with valine, which is neutral and non-polar, at codon 801 of the RET protein (p.Leu801Val). This variant is not present in population databases (gnomAD no frequency). This variant has not been reported in the literature in individuals affected with RET-related conditions. Algorithms developed to predict the effect of missense changes on protein structure and function are either unavailable or do not agree on the potential impact of this missense change (SIFT: "Tolerated"; PolyPhen-2: "Possibly Damaging"; Align-GVGD: "Class C0").

NM_020975.6(RET):c.2401C>G (p.Leu801Val)

Gene: RET (ret proto-oncogene; plus strand). Cytogenetic location: 10q11.21.
Variant type: single nucleotide variant.
Coding change: c.2401C>G on transcript NM_020975.6 (MANE Select); coding-DNA position 2401, C replaced by G.
Protein change: p.Leu801Val; replaces leucine 801 with valine.
Molecular consequence: missense variant.
Genome position (GRCh38, 1-based): chr10:43,119,539, C>G. VCF-style: chr10-43119539-C-G. GRCh37 (hg19) VCF-style: chr10-43614987-C-G.
Other names: c.2401C>G, p.Leu801Val (NM_000323.2, NM_001406743.1, NM_001406744.1 and 4 more transcripts); c.1639C>G, p.Leu547Val (NM_001355216.2); c.2272C>G, p.Leu758Val (NM_001406761.1, NM_001406762.1, NM_001406764.1); c.2266C>G, p.Leu756Val (NM_001406763.1, NM_001406765.1); c.1675C>G, p.Leu559Val (NM_001406776.1, NM_001406777.1, NM_001406778.1 and 1 more transcripts); c.1504C>G, p.Leu502Val (NM_001406779.1, NM_001406780.1, NM_001406781.1 and 1 more transcripts); c.1375C>G, p.Leu459Val (NM_001406783.1, NM_001406786.1); c.1411C>G, p.Leu471Val (NM_001406784.1); and 10 more; short protein forms L547V, L801V, L459V, L462V, L713V, L457V, L559V, L655V.
Identifiers: ClinVar variation 1391524 (VCV001391524.7), dbSNP rs1364361946, ClinGen allele CA376556008.